The following is an entry in ClinVar:

ClinVar aggregate classification (germline): Pathogenic/Likely pathogenic. Review status: criteria provided, multiple submitters, no conflicts (2 of 4 stars). 2 submissions from 2 submitters: Pathogenic (1); Likely pathogenic (1). Last evaluated 2024-02-22.

Conditions:
Chédiak-Higashi syndrome (CHS). Also called: Chediak-Higashi Syndrome. Identifiers: Orphanet 167, MedGen C0007965, MONDO:0008963, OMIM 214500.

Allele frequency attached by ClinVar (database versions not stated): TOPMed below 0.00001.

Submissions (2):

Baylor Genetics
Classification: Likely pathogenic for Chédiak-Higashi syndrome. Last evaluated: 2024-02-22. Review status: criteria provided, single submitter. Criteria: ACMG Guidelines, 2015. Collection method: clinical testing. Allele origin: unknown.

Labcorp Genetics (formerly Invitae), Labcorp
Classification: Pathogenic for Chédiak-Higashi syndrome. Last evaluated: 2023-02-16. Review status: criteria provided, single submitter. Criteria: Invitae Variant Classification Sherloc (09022015). Collection method: clinical testing. Allele origin: germline.
Comment: For these reasons, this variant has been classified as Pathogenic. This variant has not been reported in the literature in individuals affected with LYST-related conditions. This variant is not present in population databases (gnomAD no frequency). This sequence change creates a premature translational stop signal (p.Leu2379Profs*30) in the LYST gene. It is expected to result in an absent or disrupted protein product. Loss-of-function variants in LYST are known to be pathogenic (PMID: 9215679, 11857544).

Literature cited by the submitters: PubMed 9215679 (cited by Labcorp Genetics (formerly Invitae), Labcorp); PubMed 11857544 (cited by Labcorp Genetics (formerly Invitae), Labcorp).

NM_000081.4(LYST):c.7135dup (p.Leu2379fs)

Gene: LYST (lysosomal trafficking regulator; minus strand). Cytogenetic location: 1q42.3.
Variant type: Duplication.
Coding change: c.7135dup on transcript NM_000081.4 (MANE Select); coding-DNA position 7135, one base duplicated (C; older notation c.7135dupC).
Protein change: p.Leu2379fs; shifts the reading frame from leucine 2379.
Molecular consequence: frameshift variant.
Genome position (GRCh38, 1-based): chr1:235,755,572, G duplicated on the plus strand (C on the coding strand, the reverse complement: LYST is on the minus strand). VCF-style (leftmost placement, unchanged base first): chr1-235755571-A-AG. GRCh37 (hg19) VCF-style: chr1-235918871-A-AG.
Other names: c.7135dup, p.Leu2379fs (NM_001301365.1); short protein forms L2379fs.
Identifiers: ClinVar variation 2676347 (VCV002676347.5), dbSNP rs1449954533, ClinGen allele CA733144227.